The following is an entry in ClinVar:

NM_199355.4(ADAMTS18):c.2908G>A (p.Val970Met)

Gene: ADAMTS18 (ADAM metallopeptidase with thrombospondin type 1 motif 18; minus strand). Cytogenetic location: 16q23.1.
Variant type: single nucleotide variant.
Coding change: c.2908G>A on transcript NM_199355.4 (MANE Select); coding-DNA position 2908, G replaced by A.
Protein change: p.Val970Met; replaces valine 970 with methionine.
Molecular consequence: missense variant.
Genome position (GRCh38, 1-based): chr16:77,295,021, C>T on the plus strand (G>A on the coding strand, the complement: ADAMTS18 is on the minus strand). VCF-style: chr16-77295021-C-T. GRCh37 (hg19) VCF-style: chr16-77328918-C-T.
Other names: c.2392G>A, p.Val798Met (NM_001326358.2); short protein forms V970M, V798M.
Identifiers: ClinVar variation 1430977 (VCV001430977.6), dbSNP rs199572357, ClinGen allele CA8180698.

ClinVar aggregate classification (germline): Uncertain significance. Review status: criteria provided, multiple submitters, no conflicts (2 of 4 stars). 2 submissions from 2 submitters: Uncertain significance (2). Last evaluated 2022-10-04.

Allele frequency attached by ClinVar (database versions not stated): TOPMed below 0.00001; gnomAD 0.00003; gnomAD exomes 0.00003 and 0.00009; ExAC 0.00006; 1000 Genomes Project 30x 0.00031; 1000 Genomes Project 0.00040.
gnomAD v4.1: 131 of 1,614,204 alleles (0.0081%); highest among the groups gnomAD compares: East Asian, 0.28%; no homozygotes.

Submissions (2):

Labcorp Genetics (formerly Invitae), Labcorp
Classification: Uncertain significance. Last evaluated: 2022-10-04. Review status: criteria provided, single submitter. Criteria: Invitae Variant Classification Sherloc (09022015). Collection method: clinical testing. Allele origin: germline.
Comment: This sequence change replaces valine, which is neutral and non-polar, with methionine, which is neutral and non-polar, at codon 970 of the ADAMTS18 protein (p.Val970Met). This variant is present in population databases (rs199572357, gnomAD 0.05%). This variant has not been reported in the literature in individuals affected with ADAMTS18-related conditions. ClinVar contains an entry for this variant (Variation ID: 1430977). Algorithms developed to predict the effect of missense changes on protein structure and function are either unavailable or do not agree on the potential impact of this missense change (SIFT: "Not Available"; PolyPhen-2: "Probably Damaging"; Align-GVGD: "Not Available"). In summary, the available evidence is currently insufficient to determine the role of this variant in disease. Therefore, it has been classified as a Variant of Uncertain Significance.

Blueprint Genetics
Classification: Uncertain significance. Last evaluated: 2022-09-08. Review status: criteria provided, single submitter. Criteria: ACMG Guidelines, 2015. Collection method: clinical testing. Allele origin: germline.